The following is an entry in ClinVar:

ClinVar aggregate classification (germline): Uncertain significance (1 of 4 stars; one submission).

Conditions:
Malignant hyperthermia, susceptibility to, 5 (MHS5). Also called: CACNA1S-Related Malignant Hyperthermia Susceptibility. Identifiers: Orphanet 423, MedGen C1866077, MONDO:0011163, OMIM 601887.
Hypokalemic periodic paralysis, type 1. Also called: HypoPP; Hypokalemic Periodic Paralysis Type 1 (AD). Identifiers: Orphanet 681, MedGen C3714580, MONDO:0042979, OMIM 170400.

Submission:

Labcorp Genetics (formerly Invitae), Labcorp
Classification: Uncertain significance for Hypokalemic periodic paralysis, type 1; Malignant hyperthermia, susceptibility to, 5. Last evaluated: 2022-02-12. Review status: criteria provided, single submitter. Criteria: Invitae Variant Classification Sherloc (09022015). Collection method: clinical testing. Allele origin: germline.
Comment: This variant has not been reported in the literature in individuals affected with CACNA1S-related conditions. This variant is not present in population databases (gnomAD no frequency). This sequence change replaces threonine, which is neutral and polar, with isoleucine, which is neutral and non-polar, at codon 1074 of the CACNA1S protein (p.Thr1074Ile). Advanced modeling of protein sequence and biophysical properties (such as structural, functional, and spatial information, amino acid conservation, physicochemical variation, residue mobility, and thermodynamic stability) performed at Invitae indicates that this missense variant is not expected to disrupt CACNA1S protein function. In summary, the available evidence is currently insufficient to determine the role of this variant in disease. Therefore, it has been classified as a Variant of Uncertain Significance.

NM_000069.3(CACNA1S):c.3221C>T (p.Thr1074Ile)

Gene: CACNA1S (calcium voltage-gated channel subunit alpha1 S; minus strand). Cytogenetic location: 1q32.1.
Variant type: single nucleotide variant.
Coding change: c.3221C>T on transcript NM_000069.3 (MANE Select); coding-DNA position 3221, C replaced by T.
Protein change: p.Thr1074Ile; replaces threonine 1074 with isoleucine.
Molecular consequence: missense variant.
Genome position (GRCh38, 1-based): chr1:201,061,301, G>A on the plus strand (C>T on the coding strand, the complement: CACNA1S is on the minus strand). VCF-style: chr1-201061301-G-A. GRCh37 (hg19) VCF-style: chr1-201030429-G-A.
Other names: short protein forms T1074I.
Identifiers: ClinVar variation 2418119 (VCV002418119.7), dbSNP rs1661038804, ClinGen allele CA344161705.